The following is an entry in ClinVar:

ClinVar aggregate classification (germline): Uncertain significance (1 of 4 stars; one submission).

Submission:

GeneDx
Classification: Uncertain significance. Last evaluated: 2026-02-23. Review status: criteria provided, single submitter. Criteria: GeneDx Variant Classification Process June 2021. Collection method: clinical testing. Allele origin: germline.
Comment: Not observed at significant frequency in large population cohorts (gnomAD); In silico analysis supports that this missense variant has a deleterious effect on protein structure/function; Has not been previously published as pathogenic or benign to our knowledge

NM_001318510.2(ACSL4):c.758A>G (p.Asn253Ser)

Gene: ACSL4 (acyl-CoA synthetase long chain family member 4; minus strand). Cytogenetic location: Xq23.
Variant type: single nucleotide variant.
Coding change: c.758A>G on transcript NM_001318510.2 (MANE Select); coding-DNA position 758, A replaced by G.
Protein change: p.Asn253Ser; replaces asparagine 253 with serine.
Molecular consequence: missense variant.
Genome position (GRCh38, 1-based): chrX:109,678,313, T>C on the plus strand (A>G on the coding strand, the complement: ACSL4 is on the minus strand). VCF-style: chrX-109678313-T-C. GRCh37 (hg19) VCF-style: chrX-108921542-T-C.
Other names: c.881A>G, p.Asn294Ser (NM_001318509.2, NM_022977.3); c.758A>G, p.Asn253Ser (NM_004458.3); short protein forms N253S, N294S.
Identifiers: ClinVar variation 3363479 (VCV003363479.2).
Genomic context (GRCh38, chrX:109,678,313, plus strand): 5'-GAATTATCTTACCCCAGTCCAGGTATTCTTTCACACTGGCCTGTCATTCCAGCTATCAAA[T>C]TGCTATGATGCATCATCACTCCCTTAGGTCGGCCAGTAGAACCACTAGTATACATAACAA-3'
Protein context (NP_001305439.1, residues 243-263): RPKGVMMHHS[Asn253Ser]LIAGMTGQCE